The following is an entry in ClinVar:

NM_000545.8(HNF1A):c.1802del (p.Ser600_Ser601insTer)

Genes: C12orf43 (chromosome 12 open reading frame 43; minus strand), HNF1A (HNF1 homeobox A; plus strand). Cytogenetic location: 12q24.31.
Variant type: Deletion.
Coding change: c.1802del on transcript NM_000545.8 (MANE Select); coding-DNA position 1802, one base deleted (C; older notation c.1802delC).
Protein change: p.Ser600_Ser601insTer.
Molecular consequence: nonsense. On other transcripts: 3 prime UTR variant (3), frameshift variant (1).
Genome position (GRCh38, 1-based): chr12:121,001,098, C deleted. VCF-style (leftmost placement, unchanged base first): chr12-121001097-TC-T. GRCh37 (hg19) VCF-style: chr12-121438900-TC-T.
Other names: NM_022895.3:c.*3055del; NM_000545.8(HNF1A):c.1802del; p.Ser600_Ser601insTer; c.*3055del (NM_001286191.2, NM_001286196.2, NM_022895.3); c.1802delC, p.Ser601Terfs (NM_000545.5); c.1823del, p.Ser607_Ser608insTer (NM_001306179.2); c.1610del, p.Ser536_Ser537insTer (NM_001406915.1); c.1802del (NM_000545.5).
Identifiers: ClinVar variation 1687084 (VCV001687084.5), dbSNP rs2135854520, ClinGen allele CA2573051043.

ClinVar aggregate classification (germline): Likely pathogenic. Review status: reviewed by expert panel (3 of 4 stars). 2 submissions from 2 submitters: Likely pathogenic (1). 1 of the submissions does not count toward it. Last evaluated 2025-10-03.

Conditions:
Monogenic diabetes. Identifiers: Orphanet 183625, MedGen C3888631, MONDO:0015967.

Allele frequency attached by ClinVar (database versions not stated): gnomAD exomes below 0.00001.

Submissions (2):

ClinGen Monogenic Diabetes Variant Curation Expert Panel
Classification: Likely pathogenic for Monogenic diabetes. Last evaluated: 2025-10-03. Review status: reviewed by expert panel. Criteria: ClinGen Diabetes ACMG Specifications HNF1A V3.0.0. Collection method: curation. Allele origin: germline. Inheritance: Autosomal dominant inheritance.
Comment: The c.1802del variant in the HNF1 homeobox A gene, HNF1A, results in a premature termination at codon 601 (p.(Ser601Ter)) of NM_000545.8. While this variant, located 5' of c.1803 in exon 10 of 10, is not predicted to result in nonsense mediated decay of the transcript, it will significantly disrupt the transactivation domain of the protein, which is defined as critical for protein function by the ClinGen MDEP (PVS1_Strong). This variant has a gnomAD v4.1.0 Grpmax filtering allele frequency of 2.800e-7, which is below the ClinGen MDEP threshold of 0.000003 (PM2_Supporting). This variant was identified in a total of two unrelated individuals with non-autoimmune and non-absolute/near-absolute insulin-deficient diabetes; however, PS4_Moderate cannot be applied because this number is below the ClinGen MDEP threshold (internal lab contributors). In summary, c.1802del meets the criteria to be classified as likely pathogenic for monogenic diabetes. ACMG/AMP criteria applied, as specified by the ClinGen MDEP (specification version 3.0.0, approved 6/30/2025): PVS1_Strong, PP4_Moderate, PM2_Supporting.

GeneDx
Classification: Likely pathogenic. Last evaluated: 2023-07-12. Review status: criteria provided, single submitter. Criteria: GeneDx Variant Classification Process June 2021. Collection method: clinical testing. Allele origin: germline. Affected: yes. Not counted in ClinVar's aggregate classification.
Comment: Nonsense variant predicted to result in protein truncation as the last 31 amino acids are lost; other loss-of-function variants have been reported downstream in HGMD; Not observed at significant frequency in large population cohorts (gnomAD); Has not been previously published as pathogenic or benign to our knowledge